The following is an entry in ClinVar:

ClinVar aggregate classification (germline): Pathogenic (1 of 4 stars; one submission).

Submission:

Labcorp Genetics (formerly Invitae), Labcorp
Classification: Pathogenic. Last evaluated: 2023-08-29. Review status: criteria provided, single submitter. Criteria: Invitae Variant Classification Sherloc (09022015). Collection method: clinical testing. Allele origin: germline.
Comment: This sequence change creates a premature translational stop signal (p.Tyr1105*) in the LAMA3 gene. It is expected to result in an absent or disrupted protein product. Loss-of-function variants in LAMA3 are known to be pathogenic (PMID: 10366601, 11810295, 12915477, 16473856, 17362460, 22434185, 23869449, 27827380, 28087116). This variant is not present in population databases (gnomAD no frequency). This variant has not been reported in the literature in individuals affected with LAMA3-related conditions. For these reasons, this variant has been classified as Pathogenic.

Literature cited by the submitters: PubMed 10366601; PubMed 11810295; PubMed 12915477; PubMed 16473856; PubMed 17362460; PubMed 22434185; PubMed 23869449; PubMed 27827380; PubMed 28087116.

NM_198129.4(LAMA3):c.8142T>G (p.Tyr2714Ter)

Gene: LAMA3 (laminin subunit alpha 3; plus strand). Cytogenetic location: 18q11.2.
Variant type: single nucleotide variant.
Coding change: c.8142T>G on transcript NM_198129.4 (MANE Select); coding-DNA position 8142, T replaced by G.
Protein change: p.Tyr2714Ter; replaces tyrosine 2714 with a stop codon.
Molecular consequence: nonsense.
Genome position (GRCh38, 1-based): chr18:23,921,550, T>G. VCF-style: chr18-23921550-T-G. GRCh37 (hg19) VCF-style: chr18-21501514-T-G.
Other names: c.3315T>G, p.Tyr1105Ter (NM_000227.6); c.7974T>G, p.Tyr2658Ter (NM_001127717.4); c.3147T>G, p.Tyr1049Ter (NM_001127718.4); short protein forms Y1049*, Y2714*, Y2658*, Y1105*.
Identifiers: ClinVar variation 2756429 (VCV002756429.3), dbSNP rs2511506957, ClinGen allele CA402061623.